The following is an entry in ClinVar:

ClinVar aggregate classification (germline): Uncertain significance. Review status: criteria provided, multiple submitters, no conflicts (2 of 4 stars). 2 submissions from 2 submitters: Uncertain significance (2). Last evaluated 2022-07-29.

Conditions:
Hereditary cancer-predisposing syndrome. Also called: Neoplastic Syndromes, Hereditary; Tumor predisposition; Hereditary neoplastic syndrome; Hereditary Cancer Syndrome. Identifiers: Orphanet 140162, MedGen C0027672, MeSH D009386, MONDO:0015356.
Familial adenomatous polyposis 2. Also called: COLORECTAL ADENOMATOUS POLYPOSIS, AUTOSOMAL RECESSIVE; ADENOMAS, MULTIPLE COLORECTAL, AUTOSOMAL RECESSIVE; MUTYH-associated polyposis; FAP type 2; MUTYH-related attenuated familial adenomatous polyposis; Adenomas, multiple colorectal. Identifiers: Orphanet 220460, Orphanet 247798, MedGen C3272841, MONDO:0012041, OMIM 608456.

Submissions (2):

Labcorp Genetics (formerly Invitae), Labcorp
Classification: Uncertain significance for Familial adenomatous polyposis 2. Last evaluated: 2022-07-29. Review status: criteria provided, single submitter. Criteria: Invitae Variant Classification Sherloc (09022015). Collection method: clinical testing. Allele origin: germline.
Comment: In summary, the available evidence is currently insufficient to determine the role of this variant in disease. Therefore, it has been classified as a Variant of Uncertain Significance. Algorithms developed to predict the effect of missense changes on protein structure and function are either unavailable or do not agree on the potential impact of this missense change (SIFT: "Deleterious"; PolyPhen-2: "Probably Damaging"; Align-GVGD: "Class C0"). ClinVar contains an entry for this variant (Variation ID: 464732). This variant has not been reported in the literature in individuals affected with MUTYH-related conditions. This variant is not present in population databases (gnomAD no frequency). This sequence change replaces alanine, which is neutral and non-polar, with valine, which is neutral and non-polar, at codon 190 of the MUTYH protein (p.Ala190Val).

Ambry Genetics
Classification: Uncertain significance for Hereditary cancer-predisposing syndrome. Last evaluated: 2021-03-18. Review status: criteria provided, single submitter. Criteria: Ambry Variant Classification Scheme 2023. Collection method: clinical testing. Allele origin: germline.
Comment: The p.A190V variant (also known as c.569C>T), located in coding exon 7 of the MUTYH gene, results from a C to T substitution at nucleotide position 569. The alanine at codon 190 is replaced by valine, an amino acid with similar properties. This amino acid position is highly conserved in available vertebrate species. In addition, this alteration is predicted to be deleterious by in silico analysis. Since supporting evidence is limited at this time, the clinical significance of this alteration remains unclear.

NM_001048174.2(MUTYH):c.485C>T (p.Ala162Val)

Gene: MUTYH (mutY DNA glycosylase; minus strand). Cytogenetic location: 1p34.1.
Variant type: single nucleotide variant.
Coding change: c.485C>T on transcript NM_001048174.2 (MANE Select); coding-DNA position 485, C replaced by T.
Protein change: p.Ala162Val; replaces alanine 162 with valine.
Molecular consequence: missense variant. On other transcripts: non-coding transcript variant (2).
Genome position (GRCh38, 1-based): chr1:45,332,770, G>A on the plus strand (C>T on the coding strand, the complement: MUTYH is on the minus strand). VCF-style: chr1-45332770-G-A. GRCh37 (hg19) VCF-style: chr1-45798442-G-A.
Other names: c.485C>T, p.Ala162Val (NM_001048171.2, NM_001048173.2, NM_001293195.2); c.488C>T, p.Ala163Val (NM_001048172.2); c.569C>T, p.Ala190Val (NM_001128425.2); c.530C>T, p.Ala177Val (NM_001293190.2); c.518C>T, p.Ala173Val (NM_001293191.2); c.209C>T, p.Ala70Val (NM_001293192.2, NM_001293196.2); c.140C>T, p.Ala47Val (NM_001350650.2, NM_001350651.2); c.560C>T, p.Ala187Val (NM_012222.3); short protein forms A190V, A177V, A187V, A47V, A70V, A163V, A173V, A162V.
Identifiers: ClinVar variation 464732 (VCV000464732.11), dbSNP rs1553128757, ClinGen allele CA340135555.